The following is an entry in ClinVar:

NM_000465.4(BARD1):c.1541T>A (p.Leu514His)

Gene: BARD1 (BRCA1 associated RING domain 1; minus strand). Cytogenetic location: 2q35.
Variant type: single nucleotide variant.
Coding change: c.1541T>A on transcript NM_000465.4 (MANE Select); coding-DNA position 1541, T replaced by A.
Protein change: p.Leu514His; replaces leucine 514 with histidine.
Molecular consequence: missense variant. On other transcripts: non-coding transcript variant (3), intron variant (3).
Genome position (GRCh38, 1-based): chr2:214,767,509, A>T on the plus strand (T>A on the coding strand, the complement: BARD1 is on the minus strand). VCF-style: chr2-214767509-A-T. GRCh37 (hg19) VCF-style: chr2-215632233-A-T.
Other names: c.1484T>A, p.Leu495His (NM_001282543.2); c.159-14954T>A (NM_001282548.2); c.216-14954T>A (NM_001282545.2); c.364+24788T>A (NM_001282549.2); c.1541T>A (NM_000465.2); short protein forms L514H, L495H.
Identifiers: ClinVar variation 2105265 (VCV002105265.5), dbSNP rs2469442668, ClinGen allele CA350448178.
Genomic context (GRCh38, chr2:214,767,509, plus strand): 5'-TTTTAAAAATAATTTTTACGTTGAACTACTTACACAGCATTTCTGGAGGCTCCATAGGAA[A>T]GTAACAGCTTGACTATATCCACATGCCCATTCTTGGCTGCATCGTGAAGTGGTGAGTCAT-3'
Protein context (NP_000456.2, residues 504-524): NGHVDIVKLL[Leu514His]SYGASRNAVN

ClinVar aggregate classification (germline): Uncertain significance. Review status: criteria provided, multiple submitters, no conflicts (2 of 4 stars). 2 submissions from 2 submitters: Uncertain significance (2). Last evaluated 2025-09-03.

Conditions:
Hereditary cancer-predisposing syndrome. Also called: Hereditary Cancer Syndrome; Tumor predisposition; Neoplastic Syndromes, Hereditary; Hereditary neoplastic syndrome. Identifiers: Orphanet 140162, MedGen C0027672, MeSH D009386, MONDO:0015356.
Familial cancer of breast. Also called: Hereditary breast cancer; hereditary breast carcinoma; BREAST CANCER, FAMILIAL. Identifiers: Orphanet 227535, MedGen C0346153, MONDO:0016419, OMIM 114480. Disease mechanism: loss of function.

Allele frequency attached by ClinVar (database versions not stated): gnomAD exomes below 0.00001.
gnomAD v4.1: 1 of 1,613,922 alleles (0.000062%); highest among the groups gnomAD compares: Non-Finnish European, 0.000085%; no homozygotes.

Submissions (2):

Labcorp Genetics (formerly Invitae), Labcorp
Classification: Uncertain significance for Familial cancer of breast. Last evaluated: 2025-09-03. Review status: criteria provided, single submitter. Criteria: Invitae Variant Classification Sherloc (09022015). Collection method: clinical testing. Allele origin: germline.
Comment: This sequence change replaces leucine, which is neutral and non-polar, with histidine, which is basic and polar, at codon 514 of the BARD1 protein (p.Leu514His). This variant is not present in population databases (gnomAD no frequency). This variant has not been reported in the literature in individuals affected with BARD1-related conditions. ClinVar contains an entry for this variant (Variation ID: 2105265). An algorithm developed to predict the effect of missense changes on protein structure and function (PolyPhen-2) suggests that this variant is likely to be disruptive. In summary, the available evidence is currently insufficient to determine the role of this variant in disease. Therefore, it has been classified as a Variant of Uncertain Significance.

Ambry Genetics
Classification: Uncertain significance for Hereditary cancer-predisposing syndrome. Last evaluated: 2024-03-21. Review status: criteria provided, single submitter. Criteria: Ambry Variant Classification Scheme 2023. Collection method: clinical testing. Allele origin: germline.
Comment: The p.L514H variant (also known as c.1541T>A), located in coding exon 6 of the BARD1 gene, results from a T to A substitution at nucleotide position 1541. The leucine at codon 514 is replaced by histidine, an amino acid with similar properties. This amino acid position is conserved. In addition, this alteration is predicted to be deleterious by in silico analysis. Based on the available evidence, the clinical significance of this alteration remains unclear.